The following is an entry in ClinVar:

ClinVar aggregate classification (germline): Uncertain significance (1 of 4 stars; one submission).

Submission:

CeGaT Center for Human Genetics Tuebingen
Classification: Uncertain significance. Last evaluated: 2026-09-01. Review status: criteria provided, single submitter. Criteria: CeGaT Center For Human Genetics Tuebingen Variant Classification Criteria Version 2. Collection method: clinical testing. Allele origin: germline. Affected: yes. Observed: 1 variant allele.
Comment: TTN: PM2, BP4

NM_001267550.2(TTN):c.36577G>A (p.Val12193Met)

Gene: TTN (titin; minus strand). Cytogenetic location: 2q31.2.
Variant type: single nucleotide variant.
Coding change: c.36577G>A on transcript NM_001267550.2 (MANE Select); coding-DNA position 36577, G replaced by A.
Protein change: p.Val12193Met; replaces valine 12193 with methionine.
Molecular consequence: missense variant. On other transcripts: intron variant (5).
Genome position (GRCh38, 1-based): chr2:178,663,472, C>T on the plus strand (G>A on the coding strand, the complement: TTN is on the minus strand). VCF-style: chr2-178663472-C-T. GRCh37 (hg19) VCF-style: chr2-179528199-C-T.
Other names: c.13283-21155G>A (NM_003319.4); c.13859-21155G>A (NM_133437.4); c.13658-21155G>A (NM_133432.3); c.31484-417G>A (NM_133378.4); c.34265-417G>A (NM_001256850.1); short protein forms V12193M.
Identifiers: ClinVar variation 5041524 (VCV005041524.1).